The following is an entry in ClinVar:

ClinVar aggregate classification (germline): Conflicting classifications of pathogenicity. Review status: criteria provided, conflicting classifications (1 of 4 stars). 5 submissions from 5 submitters: Uncertain significance (4); Likely benign (1). Last evaluated 2024-09-11.

Conditions:
Primary ciliary dyskinesia. Also called: Ciliary dyskinesia. Identifiers: Orphanet 244, MedGen C0008780, MONDO:0016575, HP:0012265.
Primary ciliary dyskinesia 17. Also called: CILIARY DYSKINESIA, PRIMARY, 17, WITH OR WITHOUT SITUS INVERSUS. Identifiers: Orphanet 244, MedGen C3542550, MONDO:0013854, OMIM 614679.

Allele frequency attached by ClinVar (database versions not stated): TOPMed 0.00022; gnomAD 0.00024; gnomAD exomes 0.00024; ESP Exome Variant Server 0.00031.
gnomAD v4.1: 670 of 1,603,076 alleles (0.042%); highest among the groups gnomAD compares: Non-Finnish European, 0.055%; no homozygotes.

Submissions (5):

Blueprint Genetics
Classification: Uncertain significance. Last evaluated: 2024-09-11. Review status: criteria provided, single submitter. Criteria: ACMG Guidelines, 2015. Collection method: clinical testing. Allele origin: germline.

Labcorp Genetics (formerly Invitae), Labcorp
Classification: Uncertain significance for Primary ciliary dyskinesia. Last evaluated: 2022-08-21. Review status: criteria provided, single submitter. Criteria: Invitae Variant Classification Sherloc (09022015). Collection method: clinical testing. Allele origin: germline.
Comment: This sequence change replaces alanine, which is neutral and non-polar, with proline, which is neutral and non-polar, at codon 11 of the CCDC103 protein (p.Ala11Pro). This variant is present in population databases (rs146015856, gnomAD 0.04%). This missense change has been observed in individual(s) with primary ciliary dyskinesia (PMID: 22581229). ClinVar contains an entry for this variant (Variation ID: 955334). Algorithms developed to predict the effect of missense changes on protein structure and function are either unavailable or do not agree on the potential impact of this missense change (SIFT: "Tolerated"; PolyPhen-2: "Possibly Damaging"; Align-GVGD: "Class C0"). In summary, the available evidence is currently insufficient to determine the role of this variant in disease. Therefore, it has been classified as a Variant of Uncertain Significance.

Fulgent Genetics
Classification: Uncertain significance for Primary ciliary dyskinesia 17. Last evaluated: 2022-04-18. Review status: criteria provided, single submitter. Criteria: ACMG Guidelines, 2015. Collection method: clinical testing. Allele origin: unknown.

Genetics and Molecular Pathology, SA Pathology
Classification: Uncertain significance for Primary ciliary dyskinesia 17. Last evaluated: 2019-10-03. Review status: criteria provided, single submitter. Criteria: ACMG Guidelines, 2015. Collection method: clinical testing. Allele origin: germline. Inheritance: Autosomal recessive inheritance. Affected: yes.
Comment: The CCDC103 c.31G>C variant is classified as VUS (BS3) The CCDC103 c.31G>C variant is a single nucleotide change in exon 2 of 4 of the CCDC103 gene, which is predicted to change the amino acid alanine at position 11 in the protein to proline. Well established functional studies do not support a deleterious effect of this variant PMID:22581229. Performed functional studies in zebrafish. The p.Ala11Pro variant completely rescued the mutant phenotype indicating that the heterozygous p.Ala11Pro variant in the 1 PCD individual is a rare nonpathogenic polymorphism. (BS3). The variant has been reported in dbSNP (rs146015856) and in the HGMD database: Not present. It has not been reported in ClinVar.

Ambry Genetics
Classification: Likely benign for Primary ciliary dyskinesia. Last evaluated: 2017-11-30. Review status: criteria provided, single submitter. Criteria: Ambry Variant Classification Scheme 2023. Collection method: clinical testing. Allele origin: germline.

Literature cited by the submitters: PubMed 22581229 (cited by 3 submitters).

NM_213607.3(DNAAF19):c.31G>C (p.Ala11Pro)

Gene: DNAAF19 (dynein axonemal assembly factor 19; plus strand). Cytogenetic location: 17q21.31.
Variant type: single nucleotide variant.
Coding change: c.31G>C on transcript NM_213607.3 (MANE Select); coding-DNA position 31, G replaced by C.
Protein change: p.Ala11Pro; replaces alanine 11 with proline.
Molecular consequence: missense variant.
Genome position (GRCh38, 1-based): chr17:44,901,029, G>C. VCF-style: chr17-44901029-G-C. GRCh37 (hg19) VCF-style: chr17-42978397-G-C.
Other names: c.31G>C (NM_001258399.1); c.31G>C, p.Ala11Pro (NM_001258395.2, NM_001258396.2, NM_001258397.3 and 2 more transcripts); short protein forms A11P.
Identifiers: ClinVar variation 955334 (VCV000955334.12), dbSNP rs146015856, ClinGen allele CA8608251.